The following is an entry in ClinVar:

NM_001127644.2(GABRA1):c.825C>A (p.Asn275Lys)

Gene: GABRA1 (gamma-aminobutyric acid type A receptor subunit alpha1; plus strand). Cytogenetic location: 5q34.
Variant type: single nucleotide variant.
Coding change: c.825C>A on transcript NM_001127644.2 (MANE Select); coding-DNA position 825, C replaced by A.
Protein change: p.Asn275Lys; replaces asparagine 275 with lysine.
Molecular consequence: missense variant.
Genome position (GRCh38, 1-based): chr5:161,891,019, C>A. VCF-style: chr5-161891019-C-A. GRCh37 (hg19) VCF-style: chr5-161318025-C-A.
Other names: c.825C>A, p.Asn275Lys (NM_000806.5, NM_001127643.2, NM_001127645.2 and 1 more transcripts); short protein forms N275K.
Identifiers: ClinVar variation 858746 (VCV000858746.9), dbSNP rs1755063970, ClinGen allele CA362179985.

ClinVar aggregate classification (germline): Pathogenic (1 of 4 stars; one submission).

Conditions:
Idiopathic generalized epilepsy. Also called: Generalised epilepsy; EIG. Identifiers: MedGen C0270850, MONDO:0005579, OMIM 600669.
Epilepsy, idiopathic generalized, susceptibility to, 13. Also called: EPILEPSY, JUVENILE MYOCLONIC, SUSCEPTIBILITY TO, 5. Identifiers: Orphanet 307, Orphanet 64280, MedGen C4013473, MONDO:0012627, OMIM 611136.
Epilepsy, childhood absence 4 (ECA4). Also called: EPILEPSY, CHILDHOOD ABSENCE, SUSCEPTIBILITY TO, 4. Identifiers: Orphanet 307, MedGen C1970160.

Submission:

Labcorp Genetics (formerly Invitae), Labcorp
Classification: Pathogenic for Epilepsy, childhood absence 4; Epilepsy, idiopathic generalized, susceptibility to, 13; Idiopathic generalized epilepsy. Last evaluated: 2025-08-21. Review status: criteria provided, single submitter. Criteria: Invitae Variant Classification Sherloc (09022015). Collection method: clinical testing. Allele origin: germline.
Comment: This sequence change replaces asparagine, which is neutral and polar, with lysine, which is basic and polar, at codon 275 of the GABRA1 protein (p.Asn275Lys). This variant is not present in population databases (gnomAD no frequency). This missense change has been observed in individual(s) with clinical features of early infantile epileptic encephalopathy (PMID: 37606373; internal data). In at least one individual the variant was observed to be de novo. It has also been observed to segregate with disease in related individuals. ClinVar contains an entry for this variant (Variation ID: 858746). Invitae Evidence Modeling of protein sequence and biophysical properties (such as structural, functional, and spatial information, amino acid conservation, physicochemical variation, residue mobility, and thermodynamic stability) indicates that this missense variant is expected to disrupt GABRA1 protein function with a positive predictive value of 80%. Experimental studies have shown that this missense change affects GABRA1 function (PMID: 37606373). For these reasons, this variant has been classified as Pathogenic.

Literature cited by the submitters: PubMed 37606373.